The following is an entry in ClinVar:

NM_005228.5(EGFR):c.3121A>G (p.Thr1041Ala)

Gene: EGFR (epidermal growth factor receptor; plus strand). Cytogenetic location: 7p11.2.
Variant type: single nucleotide variant.
Coding change: c.3121A>G on transcript NM_005228.5 (MANE Select); coding-DNA position 3121, A replaced by G.
Protein change: p.Thr1041Ala; replaces threonine 1041 with alanine.
Molecular consequence: missense variant.
Genome position (GRCh38, 1-based): chr7:55,201,741, A>G. VCF-style: chr7-55201741-A-G. GRCh37 (hg19) VCF-style: chr7-55269434-A-G.
Other names: c.2986A>G, p.Thr996Ala (NM_001346897.2, NM_001346899.2); c.3121A>G, p.Thr1041Ala (NM_001346898.2); c.2962A>G, p.Thr988Ala (NM_001346900.2); c.2320A>G, p.Thr774Ala (NM_001346941.2); short protein forms T996A, T1041A, T774A, T988A.
Identifiers: ClinVar variation 2132847 (VCV002132847.4), dbSNP rs1420042114, ClinGen allele CA367582883.

ClinVar aggregate classification (germline): Uncertain significance (1 of 4 stars; one submission).

Conditions:
EGFR-related lung cancer (EGFR). Identifiers: MedGen CN130014.

Allele frequency attached by ClinVar (database versions not stated): gnomAD exomes below 0.00001; gnomAD 0.00001.
gnomAD v4.1: 2 of 1,614,100 alleles (0.00012%); highest among the groups gnomAD compares: Non-Finnish European, 0.00017%; no homozygotes.

Submission:

Labcorp Genetics (formerly Invitae), Labcorp
Classification: Uncertain significance for EGFR-related lung cancer. Last evaluated: 2026-01-31. Review status: criteria provided, single submitter. Criteria: Invitae Variant Classification Sherloc (09022015). Collection method: clinical testing. Allele origin: germline.
Comment: This sequence change replaces threonine, which is neutral and polar, with alanine, which is neutral and non-polar, at codon 1041 of the EGFR protein (p.Thr1041Ala). This variant is present in population databases (no rsID available, gnomAD 0.007%). This variant has not been reported in the literature in individuals affected with EGFR-related conditions. ClinVar contains an entry for this variant (Variation ID: 2132847). An algorithm developed to predict the effect of missense changes on protein structure and function outputs the following: PolyPhen-2: "Benign". The alanine amino acid residue is found in multiple mammalian species, which suggests that this missense change does not adversely affect protein function. In summary, the available evidence is currently insufficient to determine the role of this variant in disease. Therefore, it has been classified as a Variant of Uncertain Significance.